The following is an entry in ClinVar:

NM_001004334.4(GPR179):c.2678G>A (p.Arg893Gln)

Gene: GPR179 (G protein-coupled receptor 179; minus strand). Cytogenetic location: 17q12.
Variant type: single nucleotide variant.
Coding change: c.2678G>A on transcript NM_001004334.4 (MANE Select); coding-DNA position 2678, G replaced by A.
Protein change: p.Arg893Gln; replaces arginine 893 with glutamine.
Molecular consequence: missense variant.
Genome position (GRCh38, 1-based): chr17:38,330,891, C>T on the plus strand (G>A on the coding strand, the complement: GPR179 is on the minus strand). VCF-style: chr17-38330891-C-T. GRCh37 (hg19) VCF-style: chr17-36486774-C-T.
Other names: short protein forms R893Q.
Identifiers: ClinVar variation 1357049 (VCV001357049.9), dbSNP rs567907035, ClinGen allele CA290105631.

ClinVar aggregate classification (germline): Uncertain significance. Review status: criteria provided, multiple submitters, no conflicts (2 of 4 stars). 2 submissions from 2 submitters: Uncertain significance (2). Last evaluated 2022-03-28.

Allele frequency attached by ClinVar (database versions not stated): gnomAD exomes 0.00001 and 0.00002; ExAC 0.00003; gnomAD 0.00003; TOPMed 0.00003; 1000 Genomes Project 30x 0.00016; 1000 Genomes Project 0.00020.
gnomAD v4.1: 30 of 1,602,758 alleles (0.0019%); highest among the groups gnomAD compares: Middle Eastern, 0.017%; no homozygotes.

Submissions (2):

Labcorp Genetics (formerly Invitae), Labcorp
Classification: Uncertain significance. Last evaluated: 2022-03-28. Review status: criteria provided, single submitter. Criteria: Invitae Variant Classification Sherloc (09022015). Collection method: clinical testing. Allele origin: germline.
Comment: Algorithms developed to predict the effect of missense changes on protein structure and function output the following: SIFT: "Tolerated"; PolyPhen-2: "Benign"; Align-GVGD: "Class C0". The glutamine amino acid residue is found in multiple mammalian species, which suggests that this missense change does not adversely affect protein function. In summary, the available evidence is currently insufficient to determine the role of this variant in disease. Therefore, it has been classified as a Variant of Uncertain Significance. This variant has not been reported in the literature in individuals affected with GPR179-related conditions. This variant is present in population databases (rs567907035, gnomAD 0.01%). This sequence change replaces arginine, which is basic and polar, with glutamine, which is neutral and polar, at codon 893 of the GPR179 protein (p.Arg893Gln).

Blueprint Genetics
Classification: Uncertain significance. Last evaluated: 2018-11-02. Review status: criteria provided, single submitter. Criteria: ACMG Guidelines, 2015. Collection method: clinical testing. Allele origin: germline.